The following is an entry in ClinVar:

NM_002234.4(KCNA5):c.1329C>G (p.Ile443Met)

Gene: KCNA5 (potassium voltage-gated channel subfamily A member 5; plus strand). Cytogenetic location: 12p13.32.
Variant type: single nucleotide variant.
Coding change: c.1329C>G on transcript NM_002234.4 (MANE Select); coding-DNA position 1329, C replaced by G.
Protein change: p.Ile443Met; replaces isoleucine 443 with methionine.
Molecular consequence: missense variant.
Genome position (GRCh38, 1-based): chr12:5,045,476, C>G. VCF-style: chr12-5045476-C-G. GRCh37 (hg19) VCF-style: chr12-5154642-C-G.
Other names: short protein forms I443M.
Identifiers: ClinVar variation 997830 (VCV000997830.3), dbSNP rs147209278, ClinGen allele CA6399849.

ClinVar aggregate classification (germline): Uncertain significance (1 of 4 stars; one submission).

Conditions:
Atrial fibrillation, familial, 7 (ATFB7). Identifiers: MedGen C2677106, MONDO:0012828, OMIM 612240.

Allele frequency attached by ClinVar (database versions not stated): TOPMed 0.00001.

Submission:

Institute of Human Genetics, University of Goettingen
Classification: Uncertain significance for Atrial fibrillation, familial, 7. Last evaluated: 2021-02-26. Review status: criteria provided, single submitter. Criteria: ACMG Guidelines, 2015. Collection method: clinical testing. Allele origin: unknown. Inheritance: Autosomal dominant inheritance. Observed: 1 variant allele, 1 heterozygote.
Comment: The KCNA5 variant c.1329C>G (p.(Ile443Met)) is found at a population frequency of 0.00080% in the gnomAD database, it affects a not conserved nucleotide and a highly conserved amino acid within a protein domain and there is a small physicochemical difference between Ile and Met. This variant has a pathogenic computational verdict based on in silico prediction programs (M-CAP, SIFT, PolyPhen-2 & MutationTaster). ACMG criteria used for classification: PM2, PP3.